The following is an entry in ClinVar:

NM_005343.4(HRAS):c.260C>T (p.Thr87Ile)

Genes: HRAS (HRas proto-oncogene, GTPase; minus strand), LRRC56 (leucine rich repeat containing 56; plus strand). Cytogenetic location: 11p15.5.
Variant type: single nucleotide variant.
Coding change: c.260C>T on transcript NM_005343.4 (MANE Select); coding-DNA position 260, C replaced by T.
Protein change: p.Thr87Ile; replaces threonine 87 with isoleucine.
Molecular consequence: missense variant. On other transcripts: 5 prime UTR variant (1).
Genome position (GRCh38, 1-based): chr11:533,796, G>A on the plus strand (C>T on the coding strand, the complement: HRAS is on the minus strand). VCF-style: chr11-533796-G-A. GRCh37 (hg19) VCF-style: chr11-533796-G-A.
Other names: c.260C>T, p.Thr87Ile (NM_001130442.3, NM_176795.5); c.-60C>T (NM_001318054.2); short protein forms T87I.
Identifiers: ClinVar variation 1043469 (VCV001043469.9), dbSNP rs1851272986, ClinGen allele CA378924419.
Genomic context (GRCh38, chr11:533,796, plus strand): 5'-GGGCTCCCGGGCCAGCCTCACGGGGTTCACCTGTACTGGTGGATGTCCTCAAAAGACTTG[G>A]TGTTGTTGATGGCAAACACACACAGGAAGCCCTCCCCGGTGCGCATGTACTGGTCCCGCA-3'
Protein context (NP_005334.1, residues 77-97): GFLCVFAINN[Thr87Ile]KSFEDIHQYR

ClinVar aggregate classification (germline): Uncertain significance (1 of 4 stars; one submission).

Conditions:
Costello syndrome (CSTLO). Also called: HRAS-Related Costello Syndrome; FACIOCUTANEOSKELETAL SYNDROME; FCS SYNDROME. Identifiers: Orphanet 3071, MedGen C0587248, MONDO:0009026, OMIM 218040.

gnomAD v4.1: 1 of 1,613,406 alleles (0.000062%); no homozygotes.

Submission:

Labcorp Genetics (formerly Invitae), Labcorp
Classification: Uncertain significance for Costello syndrome. Last evaluated: 2025-10-23. Review status: criteria provided, single submitter. Criteria: Invitae Variant Classification Sherloc (09022015). Collection method: clinical testing. Allele origin: germline.
Comment: This sequence change replaces threonine, which is neutral and polar, with isoleucine, which is neutral and non-polar, at codon 87 of the HRAS protein (p.Thr87Ile). This variant is not present in population databases (gnomAD no frequency). This variant has not been reported in the literature in individuals affected with HRAS-related conditions. ClinVar contains an entry for this variant (Variation ID: 1043469). Invitae Evidence Modeling of protein sequence and biophysical properties (such as structural, functional, and spatial information, amino acid conservation, physicochemical variation, residue mobility, and thermodynamic stability) indicates that this missense variant is not expected to disrupt HRAS protein function with a negative predictive value of 80%. In summary, the available evidence is currently insufficient to determine the role of this variant in disease. Therefore, it has been classified as a Variant of Uncertain Significance.